The following is an entry in ClinVar:

NM_001430.5(EPAS1):c.1162T>G (p.Phe388Val)

Gene: EPAS1 (endothelial PAS domain protein 1; plus strand). Cytogenetic location: 2p21.
Variant type: single nucleotide variant.
Coding change: c.1162T>G on transcript NM_001430.5 (MANE Select); coding-DNA position 1162, T replaced by G.
Protein change: p.Phe388Val; replaces phenylalanine 388 with valine.
Molecular consequence: missense variant.
Genome position (GRCh38, 1-based): chr2:46,376,666, T>G. VCF-style: chr2-46376666-T-G. GRCh37 (hg19) VCF-style: chr2-46603805-T-G.
Other names: short protein forms F388V.
Identifiers: ClinVar variation 1737327 (VCV001737327.2), dbSNP rs1684755516, ClinGen allele CA346703321.

ClinVar aggregate classification (germline): Uncertain significance (1 of 4 stars; one submission).

Conditions:
Inborn genetic diseases. Identifiers: MedGen C0950123, MeSH D030342.

Allele frequency attached by ClinVar (database versions not stated): gnomAD exomes below 0.00001; TOPMed below 0.00001; gnomAD 0.00001.
gnomAD v4.1: 2 of 1,613,968 alleles (0.00012%); highest among the groups gnomAD compares: Non-Finnish European, 0.00017%; no homozygotes.

Submission:

Ambry Genetics
Classification: Uncertain significance for Inborn genetic diseases. Last evaluated: 2021-10-21. Review status: criteria provided, single submitter. Criteria: Ambry Variant Classification Scheme 2023. Collection method: clinical testing. Allele origin: germline.
Comment: The p.F388V variant (also known as c.1162T>G), located in coding exon 9 of the EPAS1 gene, results from a T to G substitution at nucleotide position 1162. The phenylalanine at codon 388 is replaced by valine, an amino acid with highly similar properties. This amino acid position is conserved. In addition, this alteration is predicted to be tolerated by in silico analysis. Since supporting evidence is limited at this time, the clinical significance of this alteration remains unclear.